The following is an entry in ClinVar:

NM_000531.6(OTC):c.289A>G (p.Thr97Ala)

Gene: OTC (ornithine transcarbamylase; plus strand). Cytogenetic location: Xp11.4.
Variant type: single nucleotide variant.
Coding change: c.289A>G on transcript NM_000531.6 (MANE Select); coding-DNA position 289, A replaced by G.
Protein change: p.Thr97Ala; replaces threonine 97 with alanine.
Molecular consequence: missense variant.
Genome position (GRCh38, 1-based): chrX:38,369,868, A>G. VCF-style: chrX-38369868-A-G. GRCh37 (hg19) VCF-style: chrX-38229121-A-G.
Other names: c.289A>G, p.Thr97Ala (NM_001407092.1); short protein forms T97A.
Identifiers: ClinVar variation 3387413 (VCV003387413.2).
Genomic context (GRCh38, chrX:38,369,868, plus strand): 5'-TTGCAAGGGAAGTCCTTAGGCATGATTTTTGAGAAAAGAAGTACTCGAACAAGATTGTCT[A>G]CAGAAACAGGTAAGTCCACTGCCAAATTCACACTTGTGTTGAAGAGAGGGATTGAAGGTG-3'
Protein context (NP_000522.3, residues 87-107): EKRSTRTRLS[Thr97Ala]ETGFALLGGH

ClinVar aggregate classification (germline): Uncertain significance. Review status: criteria provided, multiple submitters, no conflicts (2 of 4 stars). 2 submissions from 2 submitters: Uncertain significance (2). Last evaluated 2024-09-11.

Conditions:
Ornithine carbamoyltransferase deficiency (OTCD). Also called: ORNITHINE TRANSCARBAMYLASE DEFICIENCY; ORNITHINE TRANSCARBAMYLASE DEFICIENCY, HYPERAMMONEMIA DUE TO; Ornithine Carbamoyltransferase Deficiency Disease; OTC DEFICIENCY. Identifiers: Orphanet 664, MedGen C0268542, MONDO:0010703, OMIM 311250.

gnomAD v4.1: 1 of 1,190,254 alleles (0.000084%); highest among the groups gnomAD compares: Non-Finnish European, 0.00011%; no homozygotes.

Submissions (2):

Blueprint Genetics
Classification: Uncertain significance. Last evaluated: 2024-09-11. Review status: criteria provided, single submitter. Criteria: ACMG Guidelines, 2015. Collection method: clinical testing. Allele origin: germline.

All of Us Research Program, National Institutes of Health
Classification: Uncertain significance for Ornithine carbamoyltransferase deficiency. Last evaluated: 2024-04-16. Review status: criteria provided, single submitter. Criteria: ACMG Guidelines, 2015. Collection method: clinical testing. Allele origin: germline. Inheritance: X-linked inheritance. Observed: 1 variant allele, 1 heterozygote.
Comment: This missense variant replaces threonine with alanine at codon 97 of the OTC protein. Computational prediction is inconclusive regarding the impact of this variant on protein structure and function (internally defined REVEL score threshold 0.5 < inconclusive < 0.7, PMID: 27666373). To our knowledge, functional studies have not been reported for this variant. This variant has not been reported in individuals affected with OTC-related disorders in the literature. This variant has not been identified in the general population by the Genome Aggregation Database (gnomAD). The available evidence is insufficient to determine the role of this variant in disease conclusively. Therefore, this variant is classified as a Variant of Uncertain Significance.

This study involves interpretation of variants in research participants for the purpose of population health screening. Participant phenotype was not available at the time of variant classification. Additional details can be found in publication PMID: 35346344, PMCID: PMC8962531